The following is an entry in ClinVar:

ClinVar aggregate classification (germline): Uncertain significance (1 of 4 stars; one submission).

Conditions:
Inborn genetic diseases. Identifiers: MedGen C0950123, MeSH D030342.

gnomAD v4.1: 7 of 1,614,112 alleles (0.00043%); highest among the groups gnomAD compares: Non-Finnish European, 0.00059%; no homozygotes.

Submission:

Ambry Genetics
Classification: Uncertain significance for Inborn genetic diseases. Last evaluated: 2025-02-08. Review status: criteria provided, single submitter. Criteria: Ambry Variant Classification Scheme 2023. Collection method: clinical testing. Allele origin: germline.
Comment: The p.R235L variant (also known as c.704G>T), located in coding exon 6 of the HAX1 gene, results from a G to T substitution at nucleotide position 704. The arginine at codon 235 is replaced by leucine, an amino acid with dissimilar properties. This amino acid position is conserved. In addition, this alteration is predicted to be tolerated by in silico analysis. Based on the available evidence, the clinical significance of this variant remains unclear.

NM_006118.4(HAX1):c.704G>T (p.Arg235Leu)

Gene: HAX1 (HCLS1 associated protein X-1; plus strand). Cytogenetic location: 1q21.3.
Variant type: single nucleotide variant.
Coding change: c.704G>T on transcript NM_006118.4 (MANE Select); coding-DNA position 704, G replaced by T.
Protein change: p.Arg235Leu; replaces arginine 235 with leucine.
Molecular consequence: missense variant.
Genome position (GRCh38, 1-based): chr1:154,275,433, G>T. VCF-style: chr1-154275433-G-T. GRCh37 (hg19) VCF-style: chr1-154247909-G-T.
Other names: c.560G>T, p.Arg187Leu (NM_001018837.2); short protein forms R235L, R187L.
Identifiers: ClinVar variation 3856885 (VCV003856885.1).